The following is an entry in ClinVar:

NM_032833.5(PPP1R15B):c.61T>C (p.Trp21Arg)

Gene: PPP1R15B (protein phosphatase 1 regulatory subunit 15B; minus strand). Cytogenetic location: 1q32.1.
Variant type: single nucleotide variant.
Coding change: c.61T>C on transcript NM_032833.5 (MANE Select); coding-DNA position 61, T replaced by C.
Protein change: p.Trp21Arg; replaces tryptophan 21 with arginine.
Molecular consequence: missense variant.
Genome position (GRCh38, 1-based): chr1:204,411,351, A>G on the plus strand (T>C on the coding strand, the complement: PPP1R15B is on the minus strand). VCF-style: chr1-204411351-A-G. GRCh37 (hg19) VCF-style: chr1-204380479-A-G.
Other names: short protein forms W21R.
Identifiers: ClinVar variation 2149244 (VCV002149244.4), dbSNP rs772348311, ClinGen allele CA1346916.
Genomic context (GRCh38, chr1:204,411,351, plus strand): 5'-CAAGAGGCGTCGGGAACTTAGAAGAGCCTGCTTGCGATCGCCGAGGGAAAAAGGGTGGCC[A>G]GAACCGGAAGCCCGCCCGAGGGCCAAGCCGTTTCCGCGATCCGCCTGTCCCCGGCTCCAT-3'
Protein context (NP_116222.4, residues 11-31): RLGPRAGFRF[Trp21Arg]PPFFPRRSQA

ClinVar aggregate classification (germline): Uncertain significance (1 of 4 stars; one submission).

Allele frequency attached by ClinVar (database versions not stated): gnomAD exomes 0.00001; TOPMed 0.00002; ExAC 0.00003.
gnomAD v4.1: 18 of 1,613,800 alleles (0.0011%); highest among the groups gnomAD compares: Admixed American, 0.0067%; no homozygotes.

Submission:

Labcorp Genetics (formerly Invitae), Labcorp
Classification: Uncertain significance. Last evaluated: 2025-08-03. Review status: criteria provided, single submitter. Criteria: Invitae Variant Classification Sherloc (09022015). Collection method: clinical testing. Allele origin: germline.
Comment: This sequence change replaces tryptophan, which is neutral and slightly polar, with arginine, which is basic and polar, at codon 21 of the PPP1R15B protein (p.Trp21Arg). This variant is present in population databases (rs772348311, gnomAD 0.009%). This variant has not been reported in the literature in individuals affected with PPP1R15B-related conditions. ClinVar contains an entry for this variant (Variation ID: 2149244). An algorithm developed to predict the effect of missense changes on protein structure and function outputs the following: PolyPhen-2: "Benign". The arginine amino acid residue is found in multiple mammalian species, which suggests that this missense change does not adversely affect protein function. In summary, the available evidence is currently insufficient to determine the role of this variant in disease. Therefore, it has been classified as a Variant of Uncertain Significance.